The following is an entry in ClinVar:

ClinVar aggregate classification (germline): Uncertain significance. Review status: criteria provided, multiple submitters, no conflicts (2 of 4 stars). 2 submissions from 2 submitters: Uncertain significance (2). Last evaluated 2026-06-30.

Conditions:
Methylmalonic acidemia with homocystinuria, type cblX (MAHCX). Also called: INTELLECTUAL DEVELOPMENTAL DISORDER, X-LINKED 3. Identifiers: Orphanet 369962, MedGen C0796208, MONDO:0010657, OMIM 309541.

Allele frequency attached by ClinVar (database versions not stated): TOPMed 0.00001; gnomAD exomes 0.00001; ExAC 0.00002.

Submissions (2):

Women's Health and Genetics/Laboratory Corporation of America, LabCorp
Classification: Uncertain significance. Last evaluated: 2026-06-30. Review status: criteria provided, single submitter. Criteria: LabCorp Variant Classification Summary - May 2015. Collection method: clinical testing. Allele origin: germline.

Labcorp Genetics (formerly Invitae), Labcorp
Classification: Uncertain significance for Methylmalonic acidemia with homocystinuria, type cblX. Last evaluated: 2022-04-06. Review status: criteria provided, single submitter. Criteria: Invitae Variant Classification Sherloc (09022015). Collection method: clinical testing. Allele origin: germline.
Comment: This sequence change falls in intron 13 of the HCFC1 gene. It does not directly change the encoded amino acid sequence of the HCFC1 protein. It affects a nucleotide within the consensus splice site. This variant is present in population databases (rs782738280, gnomAD 0.02%), including at least one homozygous and/or hemizygous individual. This variant has not been reported in the literature in individuals affected with HCFC1-related conditions. Variants that disrupt the consensus splice site are a relatively common cause of aberrant splicing (PMID: 17576681, 9536098). Algorithms developed to predict the effect of sequence changes on RNA splicing suggest that this variant is not likely to affect RNA splicing. In summary, the available evidence is currently insufficient to determine the role of this variant in disease. Therefore, it has been classified as a Variant of Uncertain Significance.

Literature cited by the submitters: PubMed 17576681 (cited by Labcorp Genetics (formerly Invitae), Labcorp); PubMed 9536098 (cited by Labcorp Genetics (formerly Invitae), Labcorp).

NM_005334.3(HCFC1):c.2353+6G>A

Gene: HCFC1 (host cell factor C1; minus strand). Cytogenetic location: Xq28.
Variant type: single nucleotide variant.
Coding change: c.2353+6G>A on transcript NM_005334.3 (MANE Select); 6 bases into the intron after coding-DNA position 2353, G replaced by A.
Molecular consequence: intron variant.
Genome position (GRCh38, 1-based): chrX:153,957,308, C>T on the plus strand (G>A on the coding strand, the complement: HCFC1 is on the minus strand). VCF-style: chrX-153957308-C-T. GRCh37 (hg19) VCF-style: chrX-153222759-C-T.
Identifiers: ClinVar variation 2418036 (VCV002418036.6), dbSNP rs782738280, ClinGen allele CA10557353.